The following is an entry in ClinVar:

ClinVar aggregate classification (germline): Pathogenic (1 of 4 stars; one submission).

Conditions:
Neuronal ceroid lipofuscinosis. Also called: Neuronal Ceroid Lipofuscinoses. Identifiers: Orphanet 216, Orphanet 79263, MedGen C0027877, MONDO:0016295. Disease mechanism: loss of function.

Submission:

Labcorp Genetics (formerly Invitae), Labcorp
Classification: Pathogenic for Neuronal ceroid lipofuscinosis. Last evaluated: 2023-09-22. Review status: criteria provided, single submitter. Criteria: Invitae Variant Classification Sherloc (09022015). Collection method: clinical testing. Allele origin: germline.
Comment: This sequence change creates a premature translational stop signal (p.Leu285Cysfs*36) in the CTSD gene. It is expected to result in an absent or disrupted protein product. Loss-of-function variants in CTSD are known to be pathogenic (PMID: 16670177, 26059544). This variant is not present in population databases (gnomAD no frequency). This variant has not been reported in the literature in individuals affected with CTSD-related conditions. For these reasons, this variant has been classified as Pathogenic.

Literature cited by the submitters: PubMed 16670177; PubMed 26059544.

NM_001909.5(CTSD):c.853del (p.Leu285fs)

Gene: CTSD (cathepsin D; minus strand). Cytogenetic location: 11p15.5.
Variant type: Deletion.
Coding change: c.853del on transcript NM_001909.5 (MANE Select); coding-DNA position 853, one base deleted (C; older notation c.853delC).
Protein change: p.Leu285fs; shifts the reading frame from leucine 285.
Molecular consequence: frameshift variant.
Genome position (GRCh38, 1-based): chr11:1,754,113, G deleted on the plus strand (C on the coding strand, the reverse complement: CTSD is on the minus strand); the first of 3 consecutive G bases (chr11:1,754,113-1,754,115); deleting any one gives the same sequence. VCF-style (leftmost placement, unchanged base first): chr11-1754112-AG-A. GRCh37 (hg19) VCF-style: chr11-1775342-AG-A.
Other names: short protein forms L285fs.
Identifiers: ClinVar variation 2761352 (VCV002761352.3), dbSNP rs2493817148, ClinGen allele CA2697558896.